The following is an entry in ClinVar:

ClinVar aggregate classification (germline): Uncertain significance. Review status: criteria provided, multiple submitters, no conflicts (2 of 4 stars). 2 submissions from 2 submitters: Uncertain significance (2). Last evaluated 2024-10-16.

Allele frequency attached by ClinVar (database versions not stated): gnomAD exomes below 0.00001.
gnomAD v4.1: 1 of 1,211,909 alleles (0.000083%); highest among the groups gnomAD compares: Non-Finnish European, 0.00011%; no homozygotes.

Submissions (2):

GeneDx
Classification: Uncertain significance. Last evaluated: 2024-10-16. Review status: criteria provided, single submitter. Criteria: GeneDx Variant Classification Process June 2021. Collection method: clinical testing. Allele origin: germline. Affected: yes.
Comment: Not observed at significant frequency in large population cohorts (gnomAD); In silico analysis supports that this missense variant has a deleterious effect on protein structure/function; Has not been previously published as pathogenic or benign to our knowledge

Blueprint Genetics
Classification: Uncertain significance. Last evaluated: 2019-08-21. Review status: criteria provided, single submitter. Criteria: ACMG Guidelines, 2015. Collection method: clinical testing. Allele origin: germline.

NM_001123385.2(BCOR):c.728G>A (p.Arg243His)

Genes: BCOR (BCL6 corepressor; minus strand), LOC126863239 (MED14-independent group 3 enhancer GRCh37_chrX:39932994-39934193; plus strand). Cytogenetic location: Xp11.4.
Variant type: single nucleotide variant.
Coding change: c.728G>A on transcript NM_001123385.2 (MANE Select); coding-DNA position 728, G replaced by A.
Protein change: p.Arg243His; replaces arginine 243 with histidine.
Molecular consequence: missense variant.
Genome position (GRCh38, 1-based): chrX:40,074,618, C>T on the plus strand (G>A on the coding strand, the complement: BCOR is on the minus strand). VCF-style: chrX-40074618-C-T. GRCh37 (hg19) VCF-style: chrX-39933871-C-T.
Other names: c.728G>A, p.Arg243His (NM_001123383.2, NM_001123384.2, NM_017745.6); short protein forms R243H.
Identifiers: ClinVar variation 1691623 (VCV001691623.5), dbSNP rs865796679, ClinGen allele CA327993944.